The following is an entry in ClinVar:

ClinVar aggregate classification (germline): Uncertain significance (1 of 4 stars; one submission).

Conditions:
Hyperinsulinemic hypoglycemia, familial, 1 (HHF1). Also called: Persistent Hyperinsulinemia Hypoglycemia of Infancy; NESIDIOBLASTOSIS OF PANCREAS; HYPERINSULINISM, FAMILIAL, WITH PANCREATIC NESIDIOBLASTOSIS; HYPOGLYCEMIA, HYPERINSULINEMIC, OF INFANCY; Persistent hyperinsulinemic hypoglycemia of infancy. Identifiers: Orphanet 276575, Orphanet 276598, MedGen C2931832, MONDO:0009734, OMIM 256450.

Allele frequency attached by ClinVar (database versions not stated): gnomAD 0.00015; TOPMed 0.00019.
gnomAD v4.1: 23 of 152,200 alleles (0.015%); highest among the groups gnomAD compares: African/African-American, 0.053%; no homozygotes.

Submission:

New York Genome Center
Classification: Uncertain significance for Hyperinsulinemic hypoglycemia, familial, 1; Type 2 diabetes mellitus. Last evaluated: 2023-06-14. Review status: criteria provided, single submitter. Criteria: NYGC Assertion Criteria 2020. Collection method: clinical testing. Allele origin: germline. Observed: 1 heterozygote.
Comment: The c.1672-473T>G variant has not previously been reported in the literature or public variant repositories (ClinVar and LOVD). The c.1672-473T>G variant is observed in 62 alleles in population databases (0.004% MAF with 0 homozygote in gnomAD v2.1.1 and v3.1.2, TOPMed Freeze 8), suggesting it is not a common benign variant in the populations represented in those databases. The c.1672-473T>G variant is located in intron 11 of this 39-exon gene, and is slightly predicted to activate a cryptic splice donor site (Splice AI Donor Gain = 0.2045). However, there are no functional studies to support or refute this prediction. Based on available evidence this c.1672-473T>G intronic variant identified in ABCC8 is classified as a Variant of Uncertain Significance.

NM_000352.6(ABCC8):c.1672-473T>G

Gene: ABCC8 (ATP binding cassette subfamily C member 8; minus strand). Cytogenetic location: 11p15.1.
Variant type: single nucleotide variant.
Coding change: c.1672-473T>G on transcript NM_000352.6 (MANE Select); 473 bases into the intron before coding-DNA position 1672, T replaced by G.
Molecular consequence: intron variant.
Genome position (GRCh38, 1-based): chr11:17,431,432, A>C on the plus strand (T>G on the coding strand, the complement: ABCC8 is on the minus strand). VCF-style: chr11-17431432-A-C. GRCh37 (hg19) VCF-style: chr11-17452979-A-C.
Other names: c.1669-473T>G (NM_001351297.2, NM_001351296.2); c.1672-473T>G (NM_001351295.2, NM_001287174.3).
Identifiers: ClinVar variation 2665044 (VCV002665044.1), dbSNP rs778678067, ClinGen allele CA218443022.